The following is an entry in ClinVar:

ClinVar aggregate classification (germline): Uncertain significance (1 of 4 stars; one submission).

Conditions:
Ullrich congenital muscular dystrophy 2 (UCMD2). Identifiers: Orphanet 75840, MedGen C4225314, MONDO:0014654, OMIM 616470.
Bethlem myopathy 2 (BTHLM2). Identifiers: Orphanet 536516, Orphanet 610, MedGen C4225313, MONDO:0034022, OMIM 616471.

Allele frequency attached by ClinVar (database versions not stated): gnomAD exomes 0.00001.
gnomAD v4.1: 8 of 1,610,328 alleles (0.0005%); highest among the groups gnomAD compares: Non-Finnish European, 0.00068%; no homozygotes.

Submission:

Labcorp Genetics (formerly Invitae), Labcorp
Classification: Uncertain significance for Bethlem myopathy 2; Ullrich congenital muscular dystrophy 2. Last evaluated: 2024-06-17. Review status: criteria provided, single submitter. Criteria: Invitae Variant Classification Sherloc (09022015). Collection method: clinical testing. Allele origin: germline.
Comment: This sequence change replaces asparagine, which is neutral and polar, with serine, which is neutral and polar, at codon 2924 of the COL12A1 protein (p.Asn2924Ser). This variant is present in population databases (no rsID available, gnomAD 0.002%). This variant has not been reported in the literature in individuals affected with COL12A1-related conditions. ClinVar contains an entry for this variant (Variation ID: 2078354). An algorithm developed to predict the effect of missense changes on protein structure and function (PolyPhen-2) suggests that this variant is likely to be disruptive. In summary, the available evidence is currently insufficient to determine the role of this variant in disease. Therefore, it has been classified as a Variant of Uncertain Significance.

NM_004370.6(COL12A1):c.8771A>G (p.Asn2924Ser)

Gene: COL12A1 (collagen type XII alpha 1 chain; minus strand). Cytogenetic location: 6q13.
Variant type: single nucleotide variant.
Coding change: c.8771A>G on transcript NM_004370.6 (MANE Select); coding-DNA position 8771, A replaced by G.
Protein change: p.Asn2924Ser; replaces asparagine 2924 with serine.
Molecular consequence: missense variant.
Genome position (GRCh38, 1-based): chr6:75,090,280, T>C on the plus strand (A>G on the coding strand, the complement: COL12A1 is on the minus strand). VCF-style: chr6-75090280-T-C. GRCh37 (hg19) VCF-style: chr6-75799996-T-C.
Other names: c.5279A>G, p.Asn1760Ser (NM_080645.3); short protein forms N1760S, N2924S.
Identifiers: ClinVar variation 2078354 (VCV002078354.4), dbSNP rs1442924976, ClinGen allele CA364735453.